The following is an entry in ClinVar:

NM_002335.4(LRP5):c.4586+10C>G

Gene: LRP5 (LDL receptor related protein 5; plus strand). Cytogenetic location: 11q13.2.
Variant type: single nucleotide variant.
Coding change: c.4586+10C>G on transcript NM_002335.4 (MANE Select); 10 bases into the intron after coding-DNA position 4586, C replaced by G.
Molecular consequence: intron variant.
Genome position (GRCh38, 1-based): chr11:68,446,543, C>G. VCF-style: chr11-68446543-C-G. GRCh37 (hg19) VCF-style: chr11-68214011-C-G.
Other names: c.4586+10C>G (NM_002335.3); c.2843+10C>G (NM_001291902.2).
Identifiers: ClinVar variation 2987174 (VCV002987174.5), dbSNP rs2098681518, ClinGen allele CA2614717159.

ClinVar aggregate classification (germline): Likely benign. Review status: criteria provided, multiple submitters, no conflicts (2 of 4 stars). 3 submissions from 3 submitters: Likely benign (2). 1 of the submissions does not count toward it. Last evaluated 2025-03-18.

Conditions:
LRP5-related disorder. Also called: LRP5-related condition.

gnomAD v4.1: 1 of 1,606,926 alleles (0.000062%); highest among the groups gnomAD compares: Admixed American, 0.0017%; no homozygotes.

Submissions (3):

Labcorp Genetics (formerly Invitae), Labcorp
Classification: Likely benign. Last evaluated: 2025-03-18. Review status: criteria provided, single submitter. Criteria: Invitae Variant Classification Sherloc (09022015). Collection method: clinical testing. Allele origin: germline.

Blueprint Genetics
Classification: Likely benign. Last evaluated: 2021-10-07. Review status: criteria provided, single submitter. Criteria: ACMG Guidelines, 2015. Collection method: clinical testing. Allele origin: germline.

PreventionGenetics, part of Exact Sciences
Classification: Likely benign for LRP5-related condition. Last evaluated: 2024-08-22. Review status: no assertion criteria provided. Collection method: clinical testing. Allele origin: germline. Not counted in ClinVar's aggregate classification.
Comment: This variant is classified as likely benign based on ACMG/AMP sequence variant interpretation guidelines (Richards et al. 2015 PMID: 25741868, with internal and published modifications).